The following is an entry in ClinVar:

NM_139242.4(MTFMT):c.146_153del (p.Arg49fs)

Gene: MTFMT (mitochondrial methionyl-tRNA formyltransferase; minus strand). Cytogenetic location: 15q22.31.
Variant type: Deletion.
Coding change: c.146_153del on transcript NM_139242.4 (MANE Select); coding-DNA positions 146 to 153, 8 bases deleted (GGGTGCTC; older notation c.146_153delGGGTGCTC).
Protein change: p.Arg49fs; shifts the reading frame from arginine 49.
Molecular consequence: frameshift variant.
Genome position (GRCh38, 1-based): chr15:65,029,461-65,029,468, GAGCACCC deleted on the plus strand (GGGTGCTC on the coding strand, the reverse complement: MTFMT is on the minus strand); deleting any 8 consecutive bases within chr15:65,029,461-65,029,469 gives the same sequence; the c. name uses the placement nearest the transcript's 3' end. VCF-style (leftmost placement, unchanged base first): chr15-65029460-AGAGCACCC-A. GRCh37 (hg19) VCF-style: chr15-65321798-AGAGCACCC-A.
Other names: p.Arg49Leufs*58; c.146_153del8 (NM_139242.3); short protein forms R49fs.
Identifiers: ClinVar variation 133323 (VCV000133323.45), dbSNP rs587777417, ClinGen allele CA156422.

ClinVar aggregate classification (germline): Pathogenic/Likely pathogenic. Review status: criteria provided, multiple submitters, no conflicts (2 of 4 stars). 4 submissions from 4 submitters: Pathogenic (2); Likely pathogenic (1). 1 of the submissions does not count toward it. Last evaluated 2026-09-22.

Conditions:
MTFMT-related disorder. Also called: MTFMT-related condition.
Combined oxidative phosphorylation defect type 15. Also called: Combined oxidative phosphorylation deficiency 15. Identifiers: Orphanet 319524, MedGen C4706313, MONDO:0013987, OMIM 614947.

Submissions (4):

PreventionGenetics, part of Exact Sciences
Classification: Pathogenic for MTFMT-related condition. Last evaluated: 2026-09-22. Review status: criteria provided, single submitter. Criteria: ACMG Guidelines, 2015. Collection method: clinical testing. Allele origin: germline.
Comment: The MTFMT c.146_153del8 variant is predicted to result in a frameshift and premature protein termination (p.Arg49Leufs*58). This variant has been reported with another truncating variant in MTFMT in two siblings with defects of mitochondrial oxidative phosphorylation (OXPHOS) (Haack et al. 2014. PubMed ID: 24461907). This variant is reported in 0.0023% of alleles in individuals of European (Non-Finnish) descent in gnomAD. Frameshift variants in MTFMT are expected to be pathogenic. This variant is interpreted as pathogenic.

Mayo Clinic Laboratories, Mayo Clinic
Classification: Pathogenic. Last evaluated: 2024-03-19. Review status: criteria provided, single submitter. Criteria: ACMG Guidelines, 2015. Collection method: clinical testing. Allele origin: germline. Observed: 1 variant allele.
Comment: PP1, PM2, PM3_supporting, PVS1

CeGaT Center for Human Genetics Tuebingen
Classification: Likely pathogenic. Last evaluated: 2017-05-01. Review status: criteria provided, single submitter. Criteria: CeGaT Center For Human Genetics Tuebingen Variant Classification Criteria Version 2. Collection method: clinical testing. Allele origin: germline. Affected: yes. Observed: 1 variant allele.

OMIM
Classification: Pathogenic for COMBINED OXIDATIVE PHOSPHORYLATION DEFICIENCY 15. Last evaluated: 2014-03-01. Review status: no assertion criteria provided. Collection method: literature only. Allele origin: germline. Not counted in ClinVar's aggregate classification.

Literature cited by the submitters: PubMed 24461907 (cited by Mayo Clinic Laboratories, Mayo Clinic and OMIM).